The following is an entry in ClinVar:

ClinVar aggregate classification (germline): Uncertain significance (1 of 4 stars; one submission).

Conditions:
Epileptic encephalopathy. Identifiers: MedGen C0543888, HP:0200134.

Allele frequency attached by ClinVar (database versions not stated): ExAC 0.00001; gnomAD 0.00001; gnomAD exomes 0.00001; TOPMed 0.00001.
gnomAD v4.1: 11 of 1,606,472 alleles (0.00068%); highest among the groups gnomAD compares: South Asian, 0.0044%; no homozygotes.

Submission:

Labcorp Genetics (formerly Invitae), Labcorp
Classification: Uncertain significance for Epileptic encephalopathy. Last evaluated: 2024-09-27. Review status: criteria provided, single submitter. Criteria: Invitae Variant Classification Sherloc (09022015). Collection method: clinical testing. Allele origin: germline.
Comment: This sequence change replaces glutamic acid, which is acidic and polar, with lysine, which is basic and polar, at codon 869 of the FASN protein (p.Glu869Lys). This variant is present in population databases (rs768046397, gnomAD 0.007%). This variant has not been reported in the literature in individuals affected with FASN-related conditions. ClinVar contains an entry for this variant (Variation ID: 655969). An algorithm developed to predict the effect of missense changes on protein structure and function (PolyPhen-2) suggests that this variant is likely to be disruptive. In summary, the available evidence is currently insufficient to determine the role of this variant in disease. Therefore, it has been classified as a Variant of Uncertain Significance.

NM_004104.5(FASN):c.2605G>A (p.Glu869Lys)

Gene: FASN (fatty acid synthase; minus strand). Cytogenetic location: 17q25.3.
Variant type: single nucleotide variant.
Coding change: c.2605G>A on transcript NM_004104.5 (MANE Select); coding-DNA position 2605, G replaced by A.
Protein change: p.Glu869Lys; replaces glutamic acid 869 with lysine.
Molecular consequence: missense variant.
Genome position (GRCh38, 1-based): chr17:82,088,296, C>T on the plus strand (G>A on the coding strand, the complement: FASN is on the minus strand). VCF-style: chr17-82088296-C-T. GRCh37 (hg19) VCF-style: chr17-80046172-C-T.
Other names: short protein forms E869K.
Identifiers: ClinVar variation 655969 (VCV000655969.8), dbSNP rs768046397, ClinGen allele CA8852707.